The following is an entry in ClinVar:

NM_004086.3(COCH):c.305C>A (p.Ser102Tyr)

Genes: COCH (cochlin; plus strand), COCH-AS1 (COCH antisense RNA 1; minus strand). Cytogenetic location: 14q12.
Variant type: single nucleotide variant.
Coding change: c.305C>A on transcript NM_004086.3 (MANE Select); coding-DNA position 305, C replaced by A.
Protein change: p.Ser102Tyr; replaces serine 102 with tyrosine.
Molecular consequence: missense variant.
Genome position (GRCh38, 1-based): chr14:30,878,876, C>A. VCF-style: chr14-30878876-C-A. GRCh37 (hg19) VCF-style: chr14-31348082-C-A.
Other names: c.305C>A, p.Ser102Tyr (NM_001135058.2); c.500C>A, p.Ser167Tyr (NM_001347720.2); short protein forms S102Y, S167Y.
Identifiers: ClinVar variation 4082088 (VCV004082088.1).

ClinVar aggregate classification (germline): Uncertain significance (1 of 4 stars; one submission).

Conditions:
Autosomal dominant nonsyndromic hearing loss 9. Identifiers: Orphanet 90635, MedGen C1832425, MONDO:0011058, OMIM 601369.

Submission:

Institute of Human Genetics, University of Goettingen
Classification: Uncertain significance for Autosomal dominant nonsyndromic hearing loss 9. Last evaluated: 2025-06-12. Review status: criteria provided, single submitter. Criteria: ACMG Guidelines, 2015. Collection method: clinical testing. Allele origin: unknown. Inheritance: Autosomal dominant inheritance. Affected: yes. Observed: 1 heterozygote.
Comment: The variant c.305C>A (p.(Ser102Tyr)) in exon 5 of the COCH-gene is not found in the gnomAD database, it affects a weakly conserved nucleotide, and a moderately conserved amino acid and there is a large physicochemical difference between Ser and Tyr. ACMG criteria used for classification: PM2_sup